The following is an entry in ClinVar:

ClinVar aggregate classification (germline): Conflicting classifications of pathogenicity. Review status: criteria provided, conflicting classifications (1 of 4 stars). 3 submissions from 3 submitters: Uncertain significance (1); Benign (1). 1 of the submissions does not count toward it. Last evaluated 2023-12-18.

Conditions:
PKLR-related disorder. Also called: PKLR-related condition.
Pyruvate kinase deficiency of red cells (CNSHA2). Also called: PK DEFICIENCY; PYRUVATE KINASE DEFICIENCY OF ERYTHROCYTE; Pyruvate kinase deficiency, Amish type. Identifiers: Orphanet 766, MedGen C0340968, MONDO:0009950, OMIM 266200.

Allele frequency attached by ClinVar (database versions not stated): TOPMed 0.00007; 1000 Genomes Project 30x 0.00031; 1000 Genomes Project 0.00040; ExAC 0.00055.
gnomAD v4.1: 395 of 1,614,172 alleles (0.024%); highest among the groups gnomAD compares: South Asian, 0.4%; 3 homozygotes.

Submissions (3):

Labcorp Genetics (formerly Invitae), Labcorp
Classification: Benign. Last evaluated: 2023-12-18. Review status: criteria provided, single submitter. Criteria: Invitae Variant Classification Sherloc (09022015). Collection method: clinical testing. Allele origin: germline.

Illumina Laboratory Services, Illumina
Classification: Uncertain significance for Pyruvate kinase deficiency of red cells. Last evaluated: 2018-01-12. Review status: criteria provided, single submitter. Criteria: ICSL Variant Classification Criteria 13 December 2019. Collection method: clinical testing. Allele origin: germline.

PreventionGenetics, part of Exact Sciences
Classification: Likely benign for PKLR-related condition. Last evaluated: 2019-08-09. Review status: no assertion criteria provided. Collection method: clinical testing. Allele origin: germline. Not counted in ClinVar's aggregate classification.
Comment: This variant is classified as likely benign based on ACMG/AMP sequence variant interpretation guidelines (Richards et al. 2015 PMID: 25741868, with internal and published modifications).

NM_000298.6(PKLR):c.972T>C (p.Asp324=)

Gene: PKLR (pyruvate kinase L/R; minus strand). Cytogenetic location: 1q22.
Variant type: single nucleotide variant.
Coding change: c.972T>C on transcript NM_000298.6 (MANE Select); coding-DNA position 972, T replaced by C.
Protein change: p.Asp324=; no amino-acid change (aspartic acid 324 retained).
Molecular consequence: synonymous variant.
Genome position (GRCh38, 1-based): chr1:155,294,379, A>G on the plus strand (T>C on the coding strand, the complement: PKLR is on the minus strand). VCF-style: chr1-155294379-A-G. GRCh37 (hg19) VCF-style: chr1-155264170-A-G.
Other names: c.879T>C, p.Asp293= (NM_181871.4).
Identifiers: ClinVar variation 874617 (VCV000874617.9), dbSNP rs8177974, ClinGen allele CA1144145.